The following is an entry in ClinVar:

NM_002599.5(PDE2A):c.1851+3G>A

Gene: PDE2A (phosphodiesterase 2A; minus strand). Cytogenetic location: 11q13.4.
Variant type: single nucleotide variant.
Coding change: c.1851+3G>A on transcript NM_002599.5 (MANE Select); 3 bases into the intron after coding-DNA position 1851, G replaced by A.
Molecular consequence: intron variant.
Genome position (GRCh38, 1-based): chr11:72,582,441, C>T on the plus strand (G>A on the coding strand, the complement: PDE2A is on the minus strand). VCF-style: chr11-72582441-C-T. GRCh37 (hg19) VCF-style: chr11-72293485-C-T.
Other names: c.1824+3G>A (NM_001146209.3); c.1830+3G>A (NM_001143839.4); c.1788+3G>A (NM_001243784.2).
Identifiers: ClinVar variation 1502294 (VCV001502294.6), dbSNP rs1414396340, ClinGen allele CA600093200.

ClinVar aggregate classification (germline): Uncertain significance (1 of 4 stars; one submission).

Allele frequency attached by ClinVar (database versions not stated): gnomAD exomes below 0.00001; gnomAD 0.00001 and 0.00002.
gnomAD v4.1: 4 of 1,613,518 alleles (0.00025%); highest among the groups gnomAD compares: Non-Finnish European, 0.00025%; no homozygotes.

Submission:

Labcorp Genetics (formerly Invitae), Labcorp
Classification: Uncertain significance. Last evaluated: 2021-03-28. Review status: criteria provided, single submitter. Criteria: Invitae Variant Classification Sherloc (09022015). Collection method: clinical testing. Allele origin: germline.
Comment: In summary, the available evidence is currently insufficient to determine the role of this variant in disease. Therefore, it has been classified as a Variant of Uncertain Significance. Nucleotide substitutions within the consensus splice site are a relatively common cause of aberrant splicing (PMID: 17576681, 9536098). Algorithms developed to predict the effect of sequence changes on RNA splicing suggest that this variant is not likely to affect RNA splicing, but this prediction has not been confirmed by published transcriptional studies. This variant has not been reported in the literature in individuals with PDE2A-related conditions. This variant is not present in population databases (ExAC no frequency). This sequence change falls in intron 21 of the PDE2A gene. It does not directly change the encoded amino acid sequence of the PDE2A protein. It affects a nucleotide within the consensus splice site of the intron.

Literature cited by the submitters: PubMed 17576681; PubMed 9536098.